The following is an entry in ClinVar:

ClinVar aggregate classification (germline): Benign. Review status: criteria provided, multiple submitters, no conflicts (2 of 4 stars). 2 submissions from 2 submitters: Benign (2). Last evaluated 2018-01-12.

Conditions:
Desmosterolosis. Identifiers: Orphanet 35107, MedGen C1865596, MONDO:0011217, OMIM 602398.

Allele frequency attached by ClinVar (database versions not stated): gnomAD 0.39457 and 0.40034; 1000 Genomes Project 0.43590; TOPMed 0.42655; 1000 Genomes Project 30x 0.44004; gnomAD exomes 0.50000.
gnomAD v4.1: 59,871 of 152,080 alleles (39%); highest among the groups gnomAD compares: East Asian, 59%; 13,193 homozygotes.

Submissions (2):

Illumina Laboratory Services, Illumina
Classification: Benign for Desmosterolosis. Last evaluated: 2018-01-12. Review status: criteria provided, single submitter. Criteria: ICSL Variant Classification Criteria 13 December 2019. Collection method: clinical testing. Allele origin: germline.
Comment: This variant was observed in the ICSL laboratory as part of a predisposition screen in an ostensibly healthy population. It had not been previously curated by ICSL or reported in the Human Gene Mutation Database (HGMD: prior to June 1st, 2018), and was therefore a candidate for classification through an automated scoring system. Utilizing variant allele frequency, disease prevalence and penetrance estimates, and inheritance mode, an automated score was calculated to assess if this variant is too frequent to cause the disease. Based on the score and internal cut-off values, a variant classified as benign is not then subjected to further curation. The score for this variant resulted in a classification of benign for this disease.

Breakthrough Genomics
Classification: Benign. Review status: criteria provided, single submitter. Criteria: ACMG Guidelines, 2015. Collection method: not provided. Allele origin: germline. Inheritance: Autosomal recessive inheritance. Affected: yes.

NM_014762.4(DHCR24):c.*1584T>C

Gene: DHCR24 (24-dehydrocholesterol reductase; minus strand). Cytogenetic location: 1p32.3.
Variant type: single nucleotide variant.
Coding change: c.*1584T>C on transcript NM_014762.4 (MANE Select); 1584 bases downstream of the stop codon, T replaced by C.
Molecular consequence: 3 prime UTR variant.
Genome position (GRCh38, 1-based): chr1:54,850,649, A>G on the plus strand (T>C on the coding strand, the complement: DHCR24 is on the minus strand). VCF-style: chr1-54850649-A-G. GRCh37 (hg19) VCF-style: chr1-55316322-A-G.
Identifiers: ClinVar variation 297625 (VCV000297625.6), dbSNP rs7374, ClinGen allele CA10611384.
Genomic context (GRCh38, chr1:54,850,649, plus strand): 5'-CAAGACAGATGCTTCCCTGCAAGCCAGGTATGAGCCTTTCTGGAAATGAGATGGGAGCTG[A>G]CCTTGGGGTTGAAGGAAGGATCTTGAATGACAGATAATCCCCAAGTGTCCACTGGATCAT-3'